The following is an entry in ClinVar:

ClinVar aggregate classification (germline): Pathogenic/Likely pathogenic. Review status: criteria provided, multiple submitters, no conflicts (2 of 4 stars). 2 submissions from 2 submitters: Pathogenic (1); Likely pathogenic (1). Last evaluated 2025-02-20.

Submissions (2):

Labcorp Genetics (formerly Invitae), Labcorp
Classification: Pathogenic. Last evaluated: 2025-02-20. Review status: criteria provided, single submitter. Criteria: Invitae Variant Classification Sherloc (09022015). Collection method: clinical testing. Allele origin: germline.
Comment: This sequence change creates a premature translational stop signal (p.Ala24Argfs*131) in the WNT1 gene. It is expected to result in an absent or disrupted protein product. Loss-of-function variants in WNT1 are known to be pathogenic (PMID: 23434763, 23499309). This variant is not present in population databases (gnomAD no frequency). This variant has not been reported in the literature in individuals affected with WNT1-related conditions. For these reasons, this variant has been classified as Pathogenic.

ARUP Laboratories, Molecular Genetics and Genomics, ARUP Laboratories
Classification: Likely pathogenic. Last evaluated: 2024-04-03. Review status: criteria provided, single submitter. Criteria: ARUP Molecular Germline Variant Investigation Process 2024. Collection method: clinical testing. Allele origin: germline.
Comment: The WNT1 c.69dup; p.Ala24ArgfsTer131 variant, to our knowledge, is not reported in the medical literature or gene specific databases. This variant is also absent from the Genome Aggregation Database (v2.1.1), indicating it is not a common polymorphism. This variant causes a frameshift by inserting a single nucleotide, so it is predicted to result in a truncated protein or mRNA subject to nonsense-mediated decay. Other truncating variants in the same exon and downstream are also reported in individuals affected with osteogenesis imperfecta (Nampoothiri 2019). Based on available information, the c.69dup variant is considered to be likely pathogenic. References: Nampoothiri S et al. Ptosis as a unique hallmark for autosomal recessive WNT1-associated osteogenesis imperfecta. Am J Med Genet A. 2019 Jun;179(6):908-914. PMID: 30896082.

Literature cited by the submitters: PubMed 23434763 (cited by Labcorp Genetics (formerly Invitae), Labcorp); PubMed 23499309 (cited by Labcorp Genetics (formerly Invitae), Labcorp).

NM_005430.4(WNT1):c.69dup (p.Ala24fs)

Gene: WNT1 (Wnt family member 1; plus strand). Cytogenetic location: 12q13.12.
Variant type: Duplication.
Coding change: c.69dup on transcript NM_005430.4 (MANE Select); coding-DNA position 69, one base duplicated (C; older notation c.69dupC).
Protein change: p.Ala24fs; shifts the reading frame from alanine 24.
Molecular consequence: frameshift variant.
Genome position (GRCh38, 1-based): chr12:48,978,719, C duplicated; the last of 3 consecutive C bases (chr12:48,978,717-48,978,719); duplicating any one gives the same sequence. VCF-style (leftmost placement, unchanged base first): chr12-48978716-G-GC. GRCh37 (hg19) VCF-style: chr12-49372499-G-GC.
Other names: short protein forms A24fs.
Identifiers: ClinVar variation 3766544 (VCV003766544.2).